The following is an entry in ClinVar:

ClinVar aggregate classification (germline): Uncertain significance (1 of 4 stars; one submission).

Allele frequency attached by ClinVar (database versions not stated): gnomAD exomes below 0.00001; ExAC 0.00001; TOPMed 0.00001; gnomAD 0.00002; 1000 Genomes Project 30x 0.00016; 1000 Genomes Project 0.00020.
gnomAD v4.1: 5 of 1,614,128 alleles (0.00031%); highest among the groups gnomAD compares: African/African-American, 0.0027%; no homozygotes.

Submission:

Ambry Genetics
Classification: Uncertain significance. Last evaluated: 2022-08-07. Review status: criteria provided, single submitter. Criteria: Ambry Variant Classification Scheme 2023. Collection method: clinical testing. Allele origin: germline.
Comment: The p.T228A variant (also known as c.682A>G), located in coding exon 8 of the NPAT gene, results from an A to G substitution at nucleotide position 682. The threonine at codon 228 is replaced by alanine, an amino acid with similar properties. This amino acid position is conserved. In addition, this alteration is predicted to be tolerated by in silico analysis. Since supporting evidence is limited at this time, the clinical significance of this alteration remains unclear.

NM_002519.3(NPAT):c.682A>G (p.Thr228Ala)

Gene: NPAT (nuclear protein, coactivator of histone transcription; minus strand). Cytogenetic location: 11q22.3.
Variant type: single nucleotide variant.
Coding change: c.682A>G on transcript NM_002519.3 (MANE Select); coding-DNA position 682, A replaced by G.
Protein change: p.Thr228Ala; replaces threonine 228 with alanine.
Molecular consequence: missense variant.
Genome position (GRCh38, 1-based): chr11:108,186,526, T>C on the plus strand (A>G on the coding strand, the complement: NPAT is on the minus strand). VCF-style: chr11-108186526-T-C. GRCh37 (hg19) VCF-style: chr11-108057253-T-C.
Other names: c.682A>G, p.Thr228Ala (NM_001321307.1); short protein forms T228A.
Identifiers: ClinVar variation 1755670 (VCV001755670.2), dbSNP rs560523072, ClinGen allele CA6264222.